The following is an entry in ClinVar:

ClinVar aggregate classification (germline): Pathogenic (1 of 4 stars; one submission).

Allele frequency attached by ClinVar (database versions not stated): gnomAD exomes below 0.00001.

Submission:

Labcorp Genetics (formerly Invitae), Labcorp
Classification: Pathogenic. Last evaluated: 2023-07-17. Review status: criteria provided, single submitter. Criteria: Invitae Variant Classification Sherloc (09022015). Collection method: clinical testing. Allele origin: germline.
Comment: Algorithms developed to predict the effect of sequence changes on RNA splicing suggest that this variant may create or strengthen a splice site. For these reasons, this variant has been classified as Pathogenic. ClinVar contains an entry for this variant (Variation ID: 838122). This variant has not been reported in the literature in individuals affected with LAMC2-related conditions. This variant is present in population databases (no rsID available, gnomAD 0.006%). This sequence change creates a premature translational stop signal (p.Arg715*) in the LAMC2 gene. It is expected to result in an absent or disrupted protein product. Loss-of-function variants in LAMC2 are known to be pathogenic (PMID: 11907499, 16473856).

Literature cited by the submitters: PubMed 11907499; PubMed 16473856.

NM_005562.3(LAMC2):c.2143C>T (p.Arg715Ter)

Gene: LAMC2 (laminin subunit gamma 2; plus strand). Cytogenetic location: 1q25.3.
Variant type: single nucleotide variant.
Coding change: c.2143C>T on transcript NM_005562.3 (MANE Select); coding-DNA position 2143, C replaced by T.
Protein change: p.Arg715Ter; replaces arginine 715 with a stop codon.
Molecular consequence: nonsense.
Genome position (GRCh38, 1-based): chr1:183,232,780, C>T. VCF-style: chr1-183232780-C-T. GRCh37 (hg19) VCF-style: chr1-183201915-C-T.
Other names: c.2143C>T, p.Arg715Ter (NM_018891.3); short protein forms R715*.
Identifiers: ClinVar variation 838122 (VCV000838122.9), dbSNP rs1035597347, ClinGen allele CA33981814.